The following is an entry in ClinVar:

ClinVar aggregate classification (germline): Uncertain significance (1 of 4 stars; one submission).

Conditions:
Cardiovascular phenotype. Identifiers: MedGen CN230736.

gnomAD v4.1: 1 of 1,613,212 alleles (0.000062%); no homozygotes.

Submission:

Ambry Genetics
Classification: Uncertain significance for Cardiovascular phenotype. Last evaluated: 2023-06-29. Review status: criteria provided, single submitter. Criteria: Ambry Variant Classification Scheme 2023. Collection method: clinical testing. Allele origin: germline.
Comment: The p.L429W variant (also known as c.1286T>G), located in coding exon 5 of the ALPK3 gene, results from a T to G substitution at nucleotide position 1286. The leucine at codon 429 is replaced by tryptophan, an amino acid with similar properties. This amino acid position is conserved. In addition, the in silico prediction for this alteration is inconclusive. Since supporting evidence is limited at this time, the clinical significance of this alteration remains unclear.

NM_020778.5(ALPK3):c.680T>G (p.Leu227Trp)

Gene: ALPK3 (alpha kinase 3; plus strand). Cytogenetic location: 15q25.3.
Variant type: single nucleotide variant.
Coding change: c.680T>G on transcript NM_020778.5 (MANE Select); coding-DNA position 680, T replaced by G.
Protein change: p.Leu227Trp; replaces leucine 227 with tryptophan.
Molecular consequence: missense variant.
Genome position (GRCh38, 1-based): chr15:84,839,959, T>G. VCF-style: chr15-84839959-T-G. GRCh37 (hg19) VCF-style: chr15-85383190-T-G.
Other names: short protein forms L227W.
Identifiers: ClinVar variation 2625913 (VCV002625913.2), dbSNP rs2141556463, ClinGen allele CA393373288.